The following is an entry in ClinVar:

ClinVar aggregate classification (germline): Uncertain significance (1 of 4 stars; one submission).

Submission:

Labcorp Genetics (formerly Invitae), Labcorp
Classification: Uncertain significance. Last evaluated: 2023-03-07. Review status: criteria provided, single submitter. Criteria: Invitae Variant Classification Sherloc (09022015). Collection method: clinical testing. Allele origin: germline.
Comment: In summary, the available evidence is currently insufficient to determine the role of this variant in disease. Therefore, it has been classified as a Variant of Uncertain Significance. Advanced modeling of protein sequence and biophysical properties (such as structural, functional, and spatial information, amino acid conservation, physicochemical variation, residue mobility, and thermodynamic stability) performed at Invitae indicates that this missense variant is expected to disrupt APOA1 protein function. This variant has not been reported in the literature in individuals affected with APOA1-related conditions. This variant is not present in population databases (gnomAD no frequency). This sequence change replaces glutamine, which is neutral and polar, with lysine, which is basic and polar, at codon 17 of the APOA1 protein (p.Gln17Lys).

NM_000039.3(APOA1):c.49C>A (p.Gln17Lys)

Genes: APOA1 (apolipoprotein A1; minus strand), APOA1-AS (APOA1 antisense RNA; plus strand). Cytogenetic location: 11q23.3.
Variant type: single nucleotide variant.
Coding change: c.49C>A on transcript NM_000039.3 (MANE Select); coding-DNA position 49, C replaced by A.
Protein change: p.Gln17Lys; replaces glutamine 17 with lysine.
Molecular consequence: missense variant. On other transcripts: intron variant (3).
Genome position (GRCh38, 1-based): chr11:116,837,152, G>T on the plus strand (C>A on the coding strand, the complement: APOA1 is on the minus strand). VCF-style: chr11-116837152-G-T. GRCh37 (hg19) VCF-style: chr11-116707868-G-T.
Other names: c.49C>A, p.Gln17Lys (NM_001318017.2, NM_001318018.2, NM_001425090.1 and 1 more transcripts); c.-128+193C>A (NM_001425091.1); c.-240-39C>A (NM_001318021.2); c.-276-3C>A (NM_001425092.1); short protein forms Q17K.
Identifiers: ClinVar variation 2843554 (VCV002843554.3), dbSNP rs2540295489, ClinGen allele CA382721524.